The following is an entry in ClinVar:

ClinVar aggregate classification (germline): Uncertain significance (1 of 4 stars; one submission).

Allele frequency attached by ClinVar (database versions not stated): gnomAD exomes 0.00001; ExAC 0.00006; gnomAD 0.00014; TOPMed 0.00014; 1000 Genomes Project 30x 0.00016; 1000 Genomes Project 0.00020; ESP Exome Variant Server 0.00024.
gnomAD v4.1: 37 of 1,602,808 alleles (0.0023%); highest among the groups gnomAD compares: African/African-American, 0.044%; no homozygotes.

Submission:

Labcorp Genetics (formerly Invitae), Labcorp
Classification: Uncertain significance. Last evaluated: 2025-07-23. Review status: criteria provided, single submitter. Criteria: Invitae Variant Classification Sherloc (09022015). Collection method: clinical testing. Allele origin: germline.
Comment: This sequence change falls in intron 24 of the ITGAM gene. It does not directly change the encoded amino acid sequence of the ITGAM protein. It affects a nucleotide within the consensus splice site. This variant is present in population databases (rs370021738, gnomAD 0.06%), and has an allele count higher than expected for a pathogenic variant. This variant has not been reported in the literature in individuals affected with ITGAM-related conditions. ClinVar contains an entry for this variant (Variation ID: 2144300). Variants that disrupt the consensus splice site are a relatively common cause of aberrant splicing (PMID: 17576681, 9536098). Algorithms developed to predict the effect of sequence changes on RNA splicing suggest that this variant may disrupt the consensus splice site. In summary, the available evidence is currently insufficient to determine the role of this variant in disease. Therefore, it has been classified as a Variant of Uncertain Significance.

Literature cited by the submitters: PubMed 17576681; PubMed 9536098.

NM_000632.4(ITGAM):c.2868+5G>A

Gene: ITGAM (integrin subunit alpha M; plus strand). Cytogenetic location: 16p11.2.
Variant type: single nucleotide variant.
Coding change: c.2868+5G>A on transcript NM_000632.4 (MANE Select); 5 bases into the intron after coding-DNA position 2868, G replaced by A.
Molecular consequence: intron variant.
Genome position (GRCh38, 1-based): chr16:31,329,308, G>A. VCF-style: chr16-31329308-G-A. GRCh37 (hg19) VCF-style: chr16-31340629-G-A.
Other names: c.2871+5G>A (NM_001145808.2).
Identifiers: ClinVar variation 2144300 (VCV002144300.4), dbSNP rs370021738, ClinGen allele CA8025996.